The following is an entry in ClinVar:

NM_032383.5(HPS3):c.2167C>A (p.Gln723Lys)

Gene: HPS3 (HPS3 biogenesis of lysosomal organelles complex 2 subunit 1; plus strand). Cytogenetic location: 3q24.
Variant type: single nucleotide variant.
Coding change: c.2167C>A on transcript NM_032383.5 (MANE Select); coding-DNA position 2167, C replaced by A.
Protein change: p.Gln723Lys; replaces glutamine 723 with lysine.
Molecular consequence: missense variant.
Genome position (GRCh38, 1-based): chr3:149,162,208, C>A. VCF-style: chr3-149162208-C-A. GRCh37 (hg19) VCF-style: chr3-148879995-C-A.
Other names: c.1672C>A, p.Gln558Lys (NM_001308258.2); short protein forms Q723K, Q558K.
Identifiers: ClinVar variation 1425977 (VCV001425977.6), dbSNP rs866231304, ClinGen allele CA85514019.
Genomic context (GRCh38, chr3:149,162,208, plus strand): 5'-ATGAAGTTGGTATGTGGCTTCATTCTGGAACCTCGGCTGTTGATTCAACAGAGAAAGGGA[C>A]AGATTGTTCCAACCGAGCTTGCACTTCACTTGAAGGAAACTCAGCCTGGATTGCTTGTGG-3'
Protein context (NP_115759.2, residues 713-733): PRLLIQQRKG[Gln723Lys]IVPTELALHL

ClinVar aggregate classification (germline): Uncertain significance (1 of 4 stars; one submission).

Allele frequency attached by ClinVar (database versions not stated): gnomAD 0.00005 and 0.00006; TOPMed 0.00008.
gnomAD v4.1: 11 of 1,613,876 alleles (0.00068%); highest among the groups gnomAD compares: African/African-American, 0.013%; no homozygotes.

Submission:

Labcorp Genetics (formerly Invitae), Labcorp
Classification: Uncertain significance. Last evaluated: 2024-11-04. Review status: criteria provided, single submitter. Criteria: Invitae Variant Classification Sherloc (09022015). Collection method: clinical testing. Allele origin: germline.
Comment: This sequence change replaces glutamine, which is neutral and polar, with lysine, which is basic and polar, at codon 723 of the HPS3 protein (p.Gln723Lys). This variant is not present in population databases (gnomAD no frequency). This variant has not been reported in the literature in individuals affected with HPS3-related conditions. ClinVar contains an entry for this variant (Variation ID: 1425977). Invitae Evidence Modeling of protein sequence and biophysical properties (such as structural, functional, and spatial information, amino acid conservation, physicochemical variation, residue mobility, and thermodynamic stability) has been performed for this missense variant. However, the output from this modeling did not meet the statistical confidence thresholds required to predict the impact of this variant on HPS3 protein function. In summary, the available evidence is currently insufficient to determine the role of this variant in disease. Therefore, it has been classified as a Variant of Uncertain Significance.